The following is an entry in ClinVar:

NM_000321.3(RB1):c.1221C>T (p.Cys407=)

Gene: RB1 (RB transcriptional corepressor 1; plus strand). Cytogenetic location: 13q14.2.
Variant type: single nucleotide variant.
Coding change: c.1221C>T on transcript NM_000321.3 (MANE Select); coding-DNA position 1221, C replaced by T.
Protein change: p.Cys407=; no amino-acid change (cysteine 407 retained).
Molecular consequence: synonymous variant.
Genome position (GRCh38, 1-based): chr13:48,376,923, C>T. VCF-style: chr13-48376923-C-T. GRCh37 (hg19) VCF-style: chr13-48951059-C-T.
Identifiers: ClinVar variation 1119142 (VCV001119142.13), dbSNP rs756329704, ClinGen allele CA027994.

ClinVar aggregate classification (germline): Benign/Likely benign. Review status: criteria provided, multiple submitters, no conflicts (2 of 4 stars). 5 submissions from 5 submitters: Benign (1); Likely benign (4). Last evaluated 2026-06-24.

Conditions:
Hereditary cancer-predisposing syndrome. Also called: Neoplastic Syndromes, Hereditary; Tumor predisposition; Hereditary Cancer Syndrome; Hereditary neoplastic syndrome. Identifiers: Orphanet 140162, MedGen C0027672, MeSH D009386, MONDO:0015356.
Retinoblastoma (RB1). Also called: RETINOBLASTOMA, SOMATIC. Identifiers: Orphanet 790, MedGen C0035335, MeSH D012175, MONDO:0008380, OMIM 180200, HP:0009919. Disease mechanism: loss of function. Inheritance: Both sporadic and heritable forms are tested..

Allele frequency attached by ClinVar (database versions not stated): gnomAD exomes below 0.00001; ExAC 0.00001.
gnomAD v4.1: 4 of 1,613,528 alleles (0.00025%); highest among the groups gnomAD compares: African/African-American, 0.0027%; no homozygotes.

Submissions (5):

Myriad Genetics, Inc.
Classification: Benign for Retinoblastoma. Last evaluated: 2026-06-24. Review status: criteria provided, single submitter. Criteria: Myriad Autosomal Dominant, Autosomal Recessive and X-Linked Classification Criteria (2023). Collection method: clinical testing. Allele origin: unknown.
Comment: This variant is considered benign. This variant is a silent/synonymous amino acid change and it is not expected to impact splicing.

Labcorp Genetics (formerly Invitae), Labcorp
Classification: Likely benign for Retinoblastoma. Last evaluated: 2025-04-11. Review status: criteria provided, single submitter. Criteria: Invitae Variant Classification Sherloc (09022015). Collection method: clinical testing. Allele origin: germline.

All of Us Research Program, National Institutes of Health
Classification: Likely benign for Retinoblastoma. Last evaluated: 2024-04-16. Review status: criteria provided, single submitter. Criteria: ACMG Guidelines, 2015. Collection method: clinical testing. Allele origin: germline. Inheritance: Autosomal dominant inheritance. Observed: 1 variant allele, 1 heterozygote.
Comment: This study involves interpretation of variants in research participants for the purpose of population health screening. Participant phenotype was not available at the time of variant classification. Additional details can be found in publication PMID: 35346344, PMCID: PMC8962531

Color Diagnostics, LLC DBA Color Health
Classification: Likely benign for Retinoblastoma. Last evaluated: 2022-04-28. Review status: criteria provided, single submitter. Criteria: ACMG Guidelines, 2015. Collection method: clinical testing. Allele origin: germline.

Ambry Genetics
Classification: Likely benign for Hereditary cancer-predisposing syndrome. Last evaluated: 2020-01-07. Review status: criteria provided, single submitter. Criteria: Ambry Variant Classification Scheme 2023. Collection method: clinical testing. Allele origin: germline.